The following is an entry in ClinVar:

ClinVar aggregate classification (germline): Uncertain significance (1 of 4 stars; one submission).

Allele frequency attached by ClinVar (database versions not stated): TOPMed 0.00001.
gnomAD v4.1: 5 of 1,613,310 alleles (0.00031%); highest among the groups gnomAD compares: East Asian, 0.0022%; no homozygotes.

Submission:

Labcorp Genetics (formerly Invitae), Labcorp
Classification: Uncertain significance. Last evaluated: 2022-10-21. Review status: criteria provided, single submitter. Criteria: Invitae Variant Classification Sherloc (09022015). Collection method: clinical testing. Allele origin: germline.
Comment: In summary, the available evidence is currently insufficient to determine the role of this variant in disease. Therefore, it has been classified as a Variant of Uncertain Significance. Advanced modeling of protein sequence and biophysical properties (such as structural, functional, and spatial information, amino acid conservation, physicochemical variation, residue mobility, and thermodynamic stability) performed at Invitae indicates that this missense variant is not expected to disrupt KMT2A protein function. This variant has not been reported in the literature in individuals affected with KMT2A-related conditions. This variant is not present in population databases (gnomAD no frequency). This sequence change replaces arginine, which is basic and polar, with cysteine, which is neutral and slightly polar, at codon 1767 of the KMT2A protein (p.Arg1767Cys).

NM_001197104.2(KMT2A):c.5299C>T (p.Arg1767Cys)

Gene: KMT2A (lysine methyltransferase 2A; plus strand). Cytogenetic location: 11q23.3.
Variant type: single nucleotide variant.
Coding change: c.5299C>T on transcript NM_001197104.2 (MANE Select); coding-DNA position 5299, C replaced by T.
Protein change: p.Arg1767Cys; replaces arginine 1767 with cysteine.
Molecular consequence: missense variant.
Genome position (GRCh38, 1-based): chr11:118,494,703, C>T. VCF-style: chr11-118494703-C-T. GRCh37 (hg19) VCF-style: chr11-118365418-C-T.
Other names: c.5389C>T, p.Arg1797Cys (NM_001412597.1); c.5290C>T, p.Arg1764Cys (NM_005933.4); short protein forms R1764C, R1767C, R1797C.
Identifiers: ClinVar variation 1954851 (VCV001954851.5), dbSNP rs1416778442, ClinGen allele CA382837806.